The following is an entry in ClinVar:

NM_198578.4(LRRK2):c.6707A>T (p.His2236Leu)

Gene: LRRK2 (leucine rich repeat kinase 2; plus strand). Cytogenetic location: 12q12.
Variant type: single nucleotide variant.
Coding change: c.6707A>T on transcript NM_198578.4 (MANE Select); coding-DNA position 6707, A replaced by T.
Protein change: p.His2236Leu; replaces histidine 2236 with leucine.
Molecular consequence: missense variant.
Genome position (GRCh38, 1-based): chr12:40,354,429, A>T. VCF-style: chr12-40354429-A-T. GRCh37 (hg19) VCF-style: chr12-40748231-A-T.
Other names: short protein forms H2236L.
Identifiers: ClinVar variation 2813195 (VCV002813195.3), dbSNP rs1406631615, ClinGen allele CA384409397.

ClinVar aggregate classification (germline): Uncertain significance (1 of 4 stars; one submission).

Conditions:
Autosomal dominant Parkinson disease 8. Also called: LRRK2-Related Parkinson Disease; Parkinson disease 8; Parkinson disease 8, susceptibility to. Identifiers: Orphanet 411602, MedGen C1846862, MONDO:0011764, OMIM 607060.

Submission:

Labcorp Genetics (formerly Invitae), Labcorp
Classification: Uncertain significance for Autosomal dominant Parkinson disease 8. Last evaluated: 2023-03-28. Review status: criteria provided, single submitter. Criteria: Invitae Variant Classification Sherloc (09022015). Collection method: clinical testing. Allele origin: germline.
Comment: This sequence change replaces histidine, which is basic and polar, with leucine, which is neutral and non-polar, at codon 2236 of the LRRK2 protein (p.His2236Leu). This variant is not present in population databases (gnomAD no frequency). This variant has not been reported in the literature in individuals affected with LRRK2-related conditions. Advanced modeling of protein sequence and biophysical properties (such as structural, functional, and spatial information, amino acid conservation, physicochemical variation, residue mobility, and thermodynamic stability) has been performed at Invitae for this missense variant, however the output from this modeling did not meet the statistical confidence thresholds required to predict the impact of this variant on LRRK2 protein function. In summary, the available evidence is currently insufficient to determine the role of this variant in disease. Therefore, it has been classified as a Variant of Uncertain Significance.